The following is an entry in ClinVar:

ClinVar aggregate classification (germline): Uncertain significance. Review status: criteria provided, multiple submitters, no conflicts (2 of 4 stars). 2 submissions from 2 submitters: Uncertain significance (2). Last evaluated 2024-05-09.

Conditions:
Nephronophthisis 15 (NPHP15). Identifiers: Orphanet 3156, MedGen C3541853, MONDO:0013917, OMIM 614845.

gnomAD v4.1: 5 of 1,614,170 alleles (0.00031%); highest among the groups gnomAD compares: East Asian, 0.0089%; no homozygotes.

Submissions (2):

Labcorp Genetics (formerly Invitae), Labcorp
Classification: Uncertain significance for Nephronophthisis 15. Last evaluated: 2024-05-09. Review status: criteria provided, single submitter. Criteria: Invitae Variant Classification Sherloc (09022015). Collection method: clinical testing. Allele origin: germline.
Comment: This sequence change replaces leucine, which is neutral and non-polar, with phenylalanine, which is neutral and non-polar, at codon 1431 of the CEP164 protein (p.Leu1431Phe). This variant is present in population databases (rs775086155, gnomAD 0.02%). This variant has not been reported in the literature in individuals affected with CEP164-related conditions. Advanced modeling of protein sequence and biophysical properties (such as structural, functional, and spatial information, amino acid conservation, physicochemical variation, residue mobility, and thermodynamic stability) performed at Invitae indicates that this missense variant is not expected to disrupt CEP164 protein function with a negative predictive value of 80%. In summary, the available evidence is currently insufficient to determine the role of this variant in disease. Therefore, it has been classified as a Variant of Uncertain Significance.

Fulgent Genetics
Classification: Uncertain significance for Nephronophthisis 15. Last evaluated: 2024-03-13. Review status: criteria provided, single submitter. Criteria: ACMG Guidelines, 2015. Collection method: clinical testing. Allele origin: germline.

NM_014956.5(CEP164):c.4291C>T (p.Leu1431Phe)

Gene: CEP164 (centrosomal protein 164; plus strand). Cytogenetic location: 11q23.3.
Variant type: single nucleotide variant.
Coding change: c.4291C>T on transcript NM_014956.5 (MANE Select); coding-DNA position 4291, C replaced by T.
Protein change: p.Leu1431Phe; replaces leucine 1431 with phenylalanine.
Molecular consequence: missense variant.
Genome position (GRCh38, 1-based): chr11:117,412,076, C>T. VCF-style: chr11-117412076-C-T. GRCh37 (hg19) VCF-style: chr11-117282792-C-T.
Other names: c.4276C>T, p.Leu1426Phe (NM_001271933.2); short protein forms L1426F, L1431F.
Identifiers: ClinVar variation 3599111 (VCV003599111.3).